The following is an entry in ClinVar:

ClinVar aggregate classification (germline): Uncertain significance (1 of 4 stars; one submission).

Allele frequency attached by ClinVar (database versions not stated): gnomAD exomes below 0.00001.
gnomAD v4.1: 1 of 1,609,760 alleles (0.000062%); highest among the groups gnomAD compares: Non-Finnish European, 0.000085%; no homozygotes.

Submission:

Labcorp Genetics (formerly Invitae), Labcorp
Classification: Uncertain significance. Last evaluated: 2025-12-08. Review status: criteria provided, single submitter. Criteria: Invitae Variant Classification Sherloc (09022015). Collection method: clinical testing. Allele origin: germline.
Comment: This sequence change replaces glutamic acid, which is acidic and polar, with lysine, which is basic and polar, at codon 2597 of the FAT4 protein (p.Glu2597Lys). This variant is not present in population databases (gnomAD no frequency). This variant has not been reported in the literature in individuals affected with FAT4-related conditions. ClinVar contains an entry for this variant (Variation ID: 2898461). Invitae Evidence Modeling of protein sequence and biophysical properties (such as structural, functional, and spatial information, amino acid conservation, physicochemical variation, residue mobility, and thermodynamic stability) indicates that this missense variant is not expected to disrupt FAT4 protein function with a negative predictive value of 95%. In summary, the available evidence is currently insufficient to determine the role of this variant in disease. Therefore, it has been classified as a Variant of Uncertain Significance.

NM_001291303.3(FAT4):c.7795G>A (p.Glu2599Lys)

Gene: FAT4 (FAT atypical cadherin 4; plus strand). Cytogenetic location: 4q28.1.
Variant type: single nucleotide variant.
Coding change: c.7795G>A on transcript NM_001291303.3 (MANE Select); coding-DNA position 7795, G replaced by A.
Protein change: p.Glu2599Lys; replaces glutamic acid 2599 with lysine.
Molecular consequence: missense variant.
Genome position (GRCh38, 1-based): chr4:125,448,805, G>A. VCF-style: chr4-125448805-G-A. GRCh37 (hg19) VCF-style: chr4-126369960-G-A.
Other names: c.7795G>A, p.Glu2599Lys (NM_001291285.3); c.7789G>A, p.Glu2597Lys (NM_024582.6); short protein forms E2597K, E2599K.
Identifiers: ClinVar variation 2898461 (VCV002898461.3), dbSNP rs2530891186, ClinGen allele CA358141733.